The following is an entry in ClinVar:

NM_000038.6(APC):c.926G>C (p.Gly309Ala)

Gene: APC (APC regulator of Wnt signaling pathway; plus strand). Cytogenetic location: 5q22.2.
Variant type: single nucleotide variant.
Coding change: c.926G>C on transcript NM_000038.6 (MANE Select); coding-DNA position 926, G replaced by C.
Protein change: p.Gly309Ala; replaces glycine 309 with alanine.
Molecular consequence: missense variant.
Genome position (GRCh38, 1-based): chr5:112,815,586, G>C. VCF-style: chr5-112815586-G-C. GRCh37 (hg19) VCF-style: chr5-112151283-G-C.
Other names: c.926G>C, p.Gly309Ala (NM_001127510.3, NM_001354895.2, NM_001354896.2 and 1 more transcripts); c.872G>C, p.Gly291Ala (NM_001127511.3); c.956G>C, p.Gly319Ala (NM_001354897.2, NM_001354902.2); c.851G>C, p.Gly284Ala (NM_001354898.2, NM_001354904.2); c.842G>C, p.Gly281Ala (NM_001354899.2); c.749G>C, p.Gly250Ala (NM_001354900.2, NM_001354901.2, NM_001354905.2); c.77G>C, p.Gly26Ala (NM_001354906.2); short protein forms G250A, G281A, G319A, G26A, G284A, G291A, G309A.
Identifiers: ClinVar variation 1414515 (VCV001414515.8), dbSNP rs2149764057, ClinGen allele CA16023336.

ClinVar aggregate classification (germline): Uncertain significance (1 of 4 stars; one submission).

Conditions:
Familial adenomatous polyposis 1 (FAP1). Also called: POLYPOSIS, ADENOMATOUS INTESTINAL; FAMILIAL ADENOMATOUS POLYPOSIS 1, ATTENUATED. Identifiers: MedGen C2713442, MONDO:0021056, OMIM 175100. Disease mechanism: loss of function.

Submission:

Labcorp Genetics (formerly Invitae), Labcorp
Classification: Uncertain significance for Familial adenomatous polyposis 1. Last evaluated: 2020-11-23. Review status: criteria provided, single submitter. Criteria: Invitae Variant Classification Sherloc (09022015). Collection method: clinical testing. Allele origin: germline.
Comment: In summary, the available evidence is currently insufficient to determine the role of this variant in disease. Therefore, it has been classified as a Variant of Uncertain Significance. Algorithms developed to predict the effect of missense changes on protein structure and function are either unavailable or do not agree on the potential impact of this missense change (SIFT: "Deleterious"; PolyPhen-2: "Benign"; Align-GVGD: "Class C0"). This variant has not been reported in the literature in individuals with APC-related conditions. This variant is not present in population databases (ExAC no frequency). This sequence change replaces glycine with alanine at codon 309 of the APC protein (p.Gly309Ala). The glycine residue is highly conserved and there is a small physicochemical difference between glycine and alanine.